The following is an entry in ClinVar:

NM_015443.4(KANSL1):c.706T>A (p.Ser236Thr)

Gene: KANSL1 (KAT8 regulatory NSL complex subunit 1). Cytogenetic location: 17q21.31.
Variant type: single nucleotide variant.
Coding change: c.706T>A on transcript NM_015443.4 (MANE Select); coding-DNA position 706, T replaced by A.
Protein change: p.Ser236Thr; replaces serine 236 with threonine.
Molecular consequence: missense variant.
Genome position (GRCh38, 1-based): chr17:46,171,438, A>T on the plus strand (T>A on the coding strand, the complement: KANSL1 is on the minus strand). VCF-style: chr17-46171438-A-T. GRCh37 (hg19) VCF-style: chr17-44248804-A-T.
Other names: c.706T>A, p.Ser236Thr (NM_001193465.2, NM_001193466.2, NM_001379198.1); short protein forms S236T.
Identifiers: ClinVar variation 380395 (VCV000380395.1), dbSNP rs747832991, ClinGen allele CA16608502.
Genomic context (GRCh38, chr17:46,171,438, plus strand): 5'-AGCTGGAGTCTGTACCAGGTGATAATCTACTGCTTCCTTGAAGTGCCGGCTGTTCCATGG[A>T]ATTGACAGAGGATTTGTTTGCAGTGCTATTATTGCTATACAAAGTTGTGTGTTCTACATC-3'
Protein context (NP_056258.1, residues 226-246): NSTANKSSVN[Ser236Thr]MEQPALQGSS

ClinVar aggregate classification (germline): Likely benign (1 of 4 stars; one submission).

Submission:

GeneDx
Classification: Likely benign. Last evaluated: 2015-08-19. Review status: criteria provided, single submitter. Criteria: GeneDx Variant Classification (06012015). Collection method: clinical testing. Allele origin: germline. Affected: yes.
Comment: This variant is considered likely benign or benign based on one or more of the following criteria: it is a conservative change, it occurs at a poorly conserved position in the protein, it is predicted to be benign by multiple in silico algorithms, and/or has population frequency not consistent with disease.